The following is an entry in ClinVar:

NM_130849.4(SLC39A4):c.1896G>A (p.Trp632Ter)

Gene: SLC39A4 (solute carrier family 39 member 4; minus strand). Cytogenetic location: 8q24.3.
Variant type: single nucleotide variant.
Coding change: c.1896G>A on transcript NM_130849.4 (MANE Select); coding-DNA position 1896, G replaced by A.
Protein change: p.Trp632Ter; replaces tryptophan 632 with a stop codon.
Molecular consequence: nonsense.
Genome position (GRCh38, 1-based): chr8:144,412,586, C>T on the plus strand (G>A on the coding strand, the complement: SLC39A4 is on the minus strand). VCF-style: chr8-144412586-C-T. GRCh37 (hg19) VCF-style: chr8-145637970-C-T.
Other names: c.402G>A, p.Trp134Ter (NM_001280557.2); c.1821G>A, p.Trp607Ter (NM_017767.3); short protein forms W632*, W134*, W607*.
Identifiers: ClinVar variation 429357 (VCV000429357.2), dbSNP rs1131691340, ClinGen allele CA372617347.

ClinVar aggregate classification (germline): Uncertain significance (1 of 4 stars; one submission).

Allele frequency attached by ClinVar (database versions not stated): gnomAD exomes below 0.00001.

Submission:

GeneDx
Classification: Uncertain significance. Last evaluated: 2018-03-07. Review status: criteria provided, single submitter. Criteria: GeneDx Variant Classification (06012015). Collection method: clinical testing. Allele origin: germline. Affected: yes.
Comment: The W632X variant in the SLC39A4 gene has not been reported previously as a pathogenic variant nor as a benign variant, to our knowledge. This variant is predicted to cause loss of normal protein function through protein truncation. The W632X variant is not observed in large population cohorts (Lek et al., 2016; 1000 Genomes Consortium et al., 2015; Exome Variant Server). Based on currently available evidence, we interpret W632X as a variant of uncertain significance.